The following is an entry in ClinVar:

ClinVar aggregate classification (germline): Uncertain significance. Review status: criteria provided, multiple submitters, no conflicts (2 of 4 stars). 2 submissions from 2 submitters: Uncertain significance (2). Last evaluated 2025-08-13.

Conditions:
Inborn genetic diseases. Identifiers: MedGen C0950123, MeSH D030342.

Allele frequency attached by ClinVar (database versions not stated): gnomAD exomes 0.00001 and 0.00004; ExAC 0.00003; TOPMed 0.00003; gnomAD 0.00004; ESP Exome Variant Server 0.00008; 1000 Genomes Project 30x 0.00031; 1000 Genomes Project 0.00040.
gnomAD v4.1: 26 of 1,613,650 alleles (0.0016%); highest among the groups gnomAD compares: East Asian, 0.025%; no homozygotes.

Submissions (2):

Ambry Genetics
Classification: Uncertain significance for Inborn genetic diseases. Last evaluated: 2025-08-13. Review status: criteria provided, single submitter. Criteria: Ambry Variant Classification Scheme 2023. Collection method: clinical testing. Allele origin: germline.

Labcorp Genetics (formerly Invitae), Labcorp
Classification: Uncertain significance. Last evaluated: 2024-11-07. Review status: criteria provided, single submitter. Criteria: Invitae Variant Classification Sherloc (09022015). Collection method: clinical testing. Allele origin: germline.
Comment: This sequence change replaces proline, which is neutral and non-polar, with leucine, which is neutral and non-polar, at codon 1555 of the TUBGCP6 protein (p.Pro1555Leu). This variant is present in population databases (rs374226178, gnomAD 0.05%). This variant has not been reported in the literature in individuals affected with TUBGCP6-related conditions. ClinVar contains an entry for this variant (Variation ID: 1462309). An algorithm developed to predict the effect of missense changes on protein structure and function (PolyPhen-2) suggests that this variant is likely to be disruptive. In summary, the available evidence is currently insufficient to determine the role of this variant in disease. Therefore, it has been classified as a Variant of Uncertain Significance.

NM_020461.4(TUBGCP6):c.4664C>T (p.Pro1555Leu)

Gene: TUBGCP6 (tubulin gamma complex component 6; minus strand). Cytogenetic location: 22q13.33.
Variant type: single nucleotide variant.
Coding change: c.4664C>T on transcript NM_020461.4 (MANE Select); coding-DNA position 4664, C replaced by T.
Protein change: p.Pro1555Leu; replaces proline 1555 with leucine.
Molecular consequence: missense variant.
Genome position (GRCh38, 1-based): chr22:50,218,860, G>A on the plus strand (C>T on the coding strand, the complement: TUBGCP6 is on the minus strand). VCF-style: chr22-50218860-G-A. GRCh37 (hg19) VCF-style: chr22-50657289-G-A.
Other names: c.4664C>T (NM_020461.3); short protein forms P1555L.
Identifiers: ClinVar variation 1462309 (VCV001462309.5), dbSNP rs374226178, ClinGen allele CA10307387.